The following is an entry in ClinVar:

ClinVar aggregate classification (germline): Uncertain significance. Review status: criteria provided, multiple submitters, no conflicts (2 of 4 stars). 2 submissions from 2 submitters: Uncertain significance (2). Last evaluated 2024-01-29.

Conditions:
Inborn genetic diseases. Identifiers: MedGen C0950123, MeSH D030342.

Allele frequency attached by ClinVar (database versions not stated): gnomAD exomes 0.00002 and 0.00009; ExAC 0.00012; TOPMed 0.00015; 1000 Genomes Project 30x 0.00016; gnomAD 0.00018 and 0.00019; 1000 Genomes Project 0.00020; ESP Exome Variant Server 0.00023.
gnomAD v4.1: 58 of 1,614,116 alleles (0.0036%); highest among the groups gnomAD compares: African/African-American, 0.052%; no homozygotes.

Submissions (2):

Ambry Genetics
Classification: Uncertain significance for Inborn genetic diseases. Last evaluated: 2024-01-29. Review status: criteria provided, single submitter. Criteria: Ambry Variant Classification Scheme 2023. Collection method: clinical testing. Allele origin: germline.

Labcorp Genetics (formerly Invitae), Labcorp
Classification: Uncertain significance. Last evaluated: 2022-05-08. Review status: criteria provided, single submitter. Criteria: Invitae Variant Classification Sherloc (09022015). Collection method: clinical testing. Allele origin: germline.
Comment: This sequence change replaces glycine, which is neutral and non-polar, with serine, which is neutral and polar, at codon 690 of the UNC45A protein (p.Gly690Ser). This variant is present in population databases (rs141774383, gnomAD 0.06%). This variant has not been reported in the literature in individuals affected with UNC45A-related conditions. Experimental studies and prediction algorithms are not available or were not evaluated, and the functional significance of this variant is currently unknown. In summary, the available evidence is currently insufficient to determine the role of this variant in disease. Therefore, it has been classified as a Variant of Uncertain Significance.

NM_018671.5(UNC45A):c.2068G>A (p.Gly690Ser)

Gene: UNC45A (unc-45 myosin chaperone A; plus strand). Cytogenetic location: 15q26.1.
Variant type: single nucleotide variant.
Coding change: c.2068G>A on transcript NM_018671.5 (MANE Select); coding-DNA position 2068, G replaced by A.
Protein change: p.Gly690Ser; replaces glycine 690 with serine.
Molecular consequence: missense variant.
Genome position (GRCh38, 1-based): chr15:90,949,715, G>A. VCF-style: chr15-90949715-G-A. GRCh37 (hg19) VCF-style: chr15-91492945-G-A.
Other names: c.2023G>A, p.Gly675Ser (NM_001039675.2, NM_001323621.2); c.2068G>A, p.Gly690Ser (NM_001323619.1); c.1633G>A, p.Gly545Ser (NM_001323620.2); c.2068G>A (NM_018671.3); short protein forms G545S, G675S, G690S.
Identifiers: ClinVar variation 1404031 (VCV001404031.4), dbSNP rs141774383, ClinGen allele CA7743169.